The following is an entry in ClinVar:

ClinVar aggregate classification (germline): Uncertain significance (1 of 4 stars; one submission).

Submission:

GeneDx
Classification: Uncertain significance. Last evaluated: 2023-05-22. Review status: criteria provided, single submitter. Criteria: GeneDx Variant Classification Process June 2021. Collection method: clinical testing. Allele origin: germline. Affected: yes.
Comment: Not observed at significant frequency in large population cohorts (gnomAD); In silico analysis supports that this missense variant has a deleterious effect on protein structure/function; In silico analysis is inconclusive as to whether the variant alters gene splicing. In the absence of RNA/functional studies, the actual effect of this sequence change is unknown.; Has not been previously published as pathogenic or benign to our knowledge

NM_015570.4(AUTS2):c.1913C>T (p.Pro638Leu)

Gene: AUTS2 (activator of transcription and developmental regulator AUTS2; plus strand). Cytogenetic location: 7q11.22.
Variant type: single nucleotide variant.
Coding change: c.1913C>T on transcript NM_015570.4 (MANE Select); coding-DNA position 1913, C replaced by T.
Protein change: p.Pro638Leu; replaces proline 638 with leucine.
Molecular consequence: missense variant.
Genome position (GRCh38, 1-based): chr7:70,775,367, C>T. VCF-style: chr7-70775367-C-T. GRCh37 (hg19) VCF-style: chr7-70240353-C-T.
Other names: c.1841C>T, p.Pro614Leu (NM_001127231.3); short protein forms P614L, P638L.
Identifiers: ClinVar variation 1712117 (VCV001712117.3), dbSNP rs2484779183, ClinGen allele CA367669651.